The following is an entry in ClinVar:

NM_001690.4(ATP6V1A):c.1546A>G (p.Lys516Glu)

Gene: ATP6V1A (ATPase H+ transporting V1 subunit A; plus strand). Cytogenetic location: 3q13.31.
Variant type: single nucleotide variant.
Coding change: c.1546A>G on transcript NM_001690.4 (MANE Select); coding-DNA position 1546, A replaced by G.
Protein change: p.Lys516Glu; replaces lysine 516 with glutamic acid.
Molecular consequence: missense variant.
Genome position (GRCh38, 1-based): chr3:113,803,634, A>G. VCF-style: chr3-113803634-A-G. GRCh37 (hg19) VCF-style: chr3-113522481-A-G.
Other names: short protein forms K516E.
Identifiers: ClinVar variation 2699033 (VCV002699033.3), dbSNP rs1709240201, ClinGen allele CA354020641.
Genomic context (GRCh38, chr3:113,803,634, plus strand): 5'-CTCTTCTAGGCTTCTTTGGCAGAAACAGATAAAATCACTCTGGAGGTAGCAAAACTTATC[A>G]AAGATGATTTCCTACAACAAAATGGATATACTCCTTATGACAGGTAAGCTATATTGATTT-3'
Protein context (NP_001681.2, residues 506-526): KITLEVAKLI[Lys516Glu]DDFLQQNGYT

ClinVar aggregate classification (germline): Uncertain significance (1 of 4 stars; one submission).

Submission:

Labcorp Genetics (formerly Invitae), Labcorp
Classification: Uncertain significance. Last evaluated: 2023-11-25. Review status: criteria provided, single submitter. Criteria: Invitae Variant Classification Sherloc (09022015). Collection method: clinical testing. Allele origin: germline.
Comment: This sequence change replaces lysine, which is basic and polar, with glutamic acid, which is acidic and polar, at codon 516 of the ATP6V1A protein (p.Lys516Glu). This variant is not present in population databases (gnomAD no frequency). This variant has not been reported in the literature in individuals affected with ATP6V1A-related conditions. Advanced modeling of protein sequence and biophysical properties (such as structural, functional, and spatial information, amino acid conservation, physicochemical variation, residue mobility, and thermodynamic stability) performed at Invitae indicates that this missense variant is not expected to disrupt ATP6V1A protein function with a negative predictive value of 80%. In summary, the available evidence is currently insufficient to determine the role of this variant in disease. Therefore, it has been classified as a Variant of Uncertain Significance.